The following is an entry in ClinVar:

ClinVar aggregate classification (germline): Likely benign. Review status: criteria provided, multiple submitters, no conflicts (2 of 4 stars). 8 submissions from 8 submitters: Likely benign (8). Last evaluated 2026-02-03.

Conditions:
Hereditary breast ovarian cancer syndrome. Also called: Breast and ovarian cancer; Hereditary breast and ovarian cancer; Hereditary breast and ovarian cancer syndrome; Hereditary breast and/or ovarian cancer syndrome; BRCA1- and BRCA2-Associated Hereditary Breast and Ovarian Cancer; Hereditary breast and ovarian cancer syndrome (HBOC). Identifiers: Orphanet 145, MedGen C0677776, MeSH D061325, MONDO:0003582. Disease mechanism: loss of function.
Breast-ovarian cancer, familial, susceptibility to, 1 (BROVCA1). Also called: BRCA1 Hereditary Breast and Ovarian Cancer; OVARIAN CANCER, SUSCEPTIBILITY TO. Identifiers: Orphanet 145, MedGen C2676676, MONDO:0011450, OMIM 604370. Disease mechanism: loss of function.
Fanconi anemia, complementation group S (FANCS). Identifiers: MedGen C4554406, MONDO:0054748, OMIM 617883.
Hereditary cancer-predisposing syndrome. Also called: Tumor predisposition; Hereditary Cancer Syndrome; Neoplastic Syndromes, Hereditary; Hereditary neoplastic syndrome. Identifiers: Orphanet 140162, MedGen C0027672, MeSH D009386, MONDO:0015356.

Allele frequency attached by ClinVar (database versions not stated): gnomAD exomes below 0.00001 and 0.00002; ExAC 0.00001; gnomAD 0.00001; TOPMed 0.00001.
gnomAD v4.1: 7 of 1,613,950 alleles (0.00043%); highest among the groups gnomAD compares: East Asian, 0.011%; no homozygotes.

Submissions (8):

Labcorp Genetics (formerly Invitae), Labcorp
Classification: Likely benign for Hereditary breast ovarian cancer syndrome. Last evaluated: 2026-02-03. Review status: criteria provided, single submitter. Criteria: Invitae Variant Classification Sherloc (09022015). Collection method: clinical testing. Allele origin: germline.

Quest Diagnostics Nichols Institute San Juan Capistrano
Classification: Likely benign. Last evaluated: 2025-05-28. Review status: criteria provided, single submitter. Criteria: Quest Diagnostics criteria. Collection method: clinical testing. Allele origin: unknown.

Women's Health and Genetics/Laboratory Corporation of America, LabCorp
Classification: Likely benign. Last evaluated: 2024-09-03. Review status: criteria provided, single submitter. Criteria: LabCorp Variant Classification Summary - May 2015. Collection method: clinical testing. Allele origin: germline.

All of Us Research Program, National Institutes of Health
Classification: Likely benign for Breast-ovarian cancer, familial, susceptibility to, 1. Last evaluated: 2023-12-10. Review status: criteria provided, single submitter. Criteria: ACMG Guidelines, 2015. Collection method: clinical testing. Allele origin: germline. Inheritance: Autosomal dominant inheritance. Observed: 2 variant alleles, 2 heterozygotes.
Comment: This study involves interpretation of variants in research participants for the purpose of population health screening. Participant phenotype was not available at the time of variant classification. Additional details can be found in publication PMID: 35346344, PMCID: PMC8962531

Department of Pathology and Laboratory Medicine, Sinai Health System
Classification: Likely benign for Fanconi anemia, complementation group S. Last evaluated: 2022-08-03. Review status: criteria provided, single submitter. Criteria: ACMG Guidelines, 2015. Collection method: clinical testing. Allele origin: germline. Affected: no.

Ambry Genetics
Classification: Likely benign for Hereditary cancer-predisposing syndrome. Last evaluated: 2018-01-19. Review status: criteria provided, single submitter. Criteria: Ambry Variant Classification Scheme 2023. Collection method: clinical testing. Allele origin: germline.

GeneDx
Classification: Likely benign. Last evaluated: 2016-07-25. Review status: criteria provided, single submitter. Criteria: GeneDx Variant Classification (06012015). Collection method: clinical testing. Allele origin: germline. Affected: yes.
Comment: This variant is considered likely benign or benign based on one or more of the following criteria: it is a conservative change, it occurs at a poorly conserved position in the protein, it is predicted to be benign by multiple in silico algorithms, and/or has population frequency not consistent with disease.

Color Diagnostics, LLC DBA Color Health
Classification: Likely benign for Hereditary cancer-predisposing syndrome. Last evaluated: 2016-06-27. Review status: criteria provided, single submitter. Criteria: ACMG Guidelines, 2015. Collection method: clinical testing. Allele origin: germline.

Literature cited by the submitters: PubMed 18431501 (cited by Quest Diagnostics Nichols Institute San Juan Capistrano); PubMed 34235180 (cited by Quest Diagnostics Nichols Institute San Juan Capistrano).

NM_007294.4(BRCA1):c.1873C>T (p.Leu625=)

Gene: BRCA1 (BRCA1 DNA repair associated; minus strand). Cytogenetic location: 17q21.31.
Variant type: single nucleotide variant.
Coding change: c.1873C>T on transcript NM_007294.4 (MANE Select); coding-DNA position 1873, C replaced by T.
Protein change: p.Leu625=; no amino-acid change (leucine 625 retained).
Molecular consequence: synonymous variant. On other transcripts: intron variant (137).
Genome position (GRCh38, 1-based): chr17:43,093,658, G>A on the plus strand (C>T on the coding strand, the complement: BRCA1 is on the minus strand). VCF-style: chr17-43093658-G-A. GRCh37 (hg19) VCF-style: chr17-41245675-G-A.
Other names: c.1873C>T, p.Leu625= (NM_001407602.1, NM_001407603.1, NM_001407605.1 and 30 more transcripts); c.1870C>T, p.Leu624= (NM_001407610.1, NM_001407611.1, NM_001407612.1 and 22 more transcripts); c.1864C>T, p.Leu622= (NM_001407646.1, NM_001407647.1); c.1750C>T, p.Leu584= (NM_001407648.1, NM_001407664.1, NM_001407665.1 and 19 more transcripts); c.1747C>T, p.Leu583= (NM_001407649.1, NM_001407670.1, NM_001407671.1 and 11 more transcripts); c.1795C>T, p.Leu599= (NM_001407653.1, NM_001407654.1, NM_001407655.1 and 4 more transcripts); c.1792C>T, p.Leu598= (NM_001407659.1, NM_001407660.1, NM_001407661.1 and 1 more transcripts); c.1732C>T, p.Leu578= (NM_001407692.1, NM_001407694.1, NM_001407695.1 and 29 more transcripts); and 40 more.
Identifiers: ClinVar variation 219809 (VCV000219809.24), dbSNP rs769044421, ClinGen allele CA057594.
Genomic context (GRCh38, chr17:43,093,658, plus strand): 5'-AACAACTATCAATTTGCAATTCAGTACAATTAGGTGGGCTTAGATTTCTACTGACTACTA[G>A]TTCAAGCGCATGAATATGCCTGGTAGAAGACTTCCTCCTCAGCCTATTCTTTTTAGGTGC-3'
Protein context (NP_009225.1, residues 615-635): SSTRHIHALE[Leu625=]VVSRNLSPPN